The following is an entry in ClinVar:

ClinVar aggregate classification (germline): Uncertain significance (1 of 4 stars; one submission).

Conditions:
Situs inversus. Also called: Situs inversus totalis. Identifiers: Orphanet 101063, MedGen C4551493, MONDO:0010029, HP:0001696.

Allele frequency attached by ClinVar (database versions not stated): gnomAD 0.00001; gnomAD exomes 0.00001 and 0.00002; ExAC 0.00002; TOPMed 0.00003.
gnomAD v4.1: 24 of 1,614,108 alleles (0.0015%); highest among the groups gnomAD compares: Non-Finnish European, 0.0019%; no homozygotes.

Submission:

Labcorp Genetics (formerly Invitae), Labcorp
Classification: Uncertain significance for Situs inversus. Last evaluated: 2019-01-26. Review status: criteria provided, single submitter. Criteria: Invitae Variant Classification Sherloc (09022015). Collection method: clinical testing. Allele origin: germline.
Comment: In summary, the available evidence is currently insufficient to determine the role of this variant in disease. Therefore, it has been classified as a Variant of Uncertain Significance. Algorithms developed to predict the effect of missense changes on protein structure and function (SIFT, PolyPhen-2, Align-GVGD) all suggest that this variant is likely to be tolerated, but these predictions have not been confirmed by published functional studies and their clinical significance is uncertain. This variant has not been reported in the literature in individuals with CFAP52-related conditions. This variant is present in population databases (rs767468275, ExAC 0.003%). This sequence change replaces lysine with asparagine at codon 323 of the CFAP52 protein (p.Lys323Asn). The lysine residue is moderately conserved and there is a moderate physicochemical difference between lysine and asparagine.

NM_145054.5(CFAP52):c.969A>T (p.Lys323Asn)

Gene: CFAP52 (cilia and flagella associated protein 52; plus strand). Cytogenetic location: 17p13.1.
Variant type: single nucleotide variant.
Coding change: c.969A>T on transcript NM_145054.5 (MANE Select); coding-DNA position 969, A replaced by T.
Protein change: p.Lys323Asn; replaces lysine 323 with asparagine.
Molecular consequence: missense variant.
Genome position (GRCh38, 1-based): chr17:9,612,423, A>T. VCF-style: chr17-9612423-A-T. GRCh37 (hg19) VCF-style: chr17-9515740-A-T.
Other names: c.765A>T, p.Lys255Asn (NM_001080556.2); short protein forms K255N, K323N.
Identifiers: ClinVar variation 861945 (VCV000861945.10), dbSNP rs767468275, ClinGen allele CA8382073.